The following is an entry in ClinVar:

ClinVar aggregate classification (germline): Conflicting classifications of pathogenicity. Review status: criteria provided, conflicting classifications (1 of 4 stars). 2 submissions from 2 submitters: Uncertain significance (1); Likely benign (1). Last evaluated 2025-12-11.

Conditions:
Anterior segment dysgenesis 7 (ASGD7). Also called: SCLEROCORNEA WITH OTHER OCULAR ANOMALIES; Anterior segment dysgenesis 7, with sclerocornea. Identifiers: Orphanet 289499, MedGen C3151617, MONDO:0010015, OMIM 269400.

Allele frequency attached by ClinVar (database versions not stated): gnomAD exomes 0.00009 and 0.00027; gnomAD 0.00011 and 0.00015; TOPMed 0.00027; ExAC 0.00029; 1000 Genomes Project 0.00060; 1000 Genomes Project 30x 0.00078.
gnomAD v4.1: 147 of 1,614,016 alleles (0.0091%); highest among the groups gnomAD compares: East Asian, 0.3%; 1 homozygote.

Submissions (2):

Labcorp Genetics (formerly Invitae), Labcorp
Classification: Likely benign for Anterior segment dysgenesis 7. Last evaluated: 2025-12-11. Review status: criteria provided, single submitter. Criteria: Invitae Variant Classification Sherloc (09022015). Collection method: clinical testing. Allele origin: germline.

GeneDx
Classification: Uncertain significance. Last evaluated: 2019-04-15. Review status: criteria provided, single submitter. Criteria: GeneDx Variant Classification Process June 2021. Collection method: clinical testing. Allele origin: germline. Affected: yes.
Comment: Has not been previously published as pathogenic or benign to our knowledge

NM_012293.3(PXDN):c.1495C>G (p.Gln499Glu)

Gene: PXDN (peroxidasin; minus strand). Cytogenetic location: 2p25.3.
Variant type: single nucleotide variant.
Coding change: c.1495C>G on transcript NM_012293.3 (MANE Select); coding-DNA position 1495, C replaced by G.
Protein change: p.Gln499Glu; replaces glutamine 499 with glutamic acid.
Molecular consequence: missense variant.
Genome position (GRCh38, 1-based): chr2:1,663,677, G>C on the plus strand (C>G on the coding strand, the complement: PXDN is on the minus strand). VCF-style: chr2-1663677-G-C. GRCh37 (hg19) VCF-style: chr2-1667449-G-C.
Other names: short protein forms Q499E.
Identifiers: ClinVar variation 707206 (VCV000707206.7), dbSNP rs185623598, ClinGen allele CA1513290.